The following is an entry in ClinVar:

ClinVar aggregate classification (germline): Likely benign (1 of 4 stars; one submission).

Allele frequency attached by ClinVar (database versions not stated): 1000 Genomes Project 30x 0.00234; 1000 Genomes Project 0.00240; ESP Exome Variant Server 0.00541; gnomAD 0.00585; gnomAD exomes 0.00821; ExAC 0.00895.

Submission:

CeGaT Center for Human Genetics Tuebingen
Classification: Likely benign. Last evaluated: 2023-03-01. Review status: criteria provided, single submitter. Criteria: CeGaT Center For Human Genetics Tuebingen Variant Classification Criteria Version 2. Collection method: clinical testing. Allele origin: germline. Affected: yes. Observed: 1 variant allele.
Comment: FIS1: BP4, BP7, BS2

NM_016068.3(FIS1):c.411G>A (p.Ala137=)

Gene: FIS1 (fission, mitochondrial 1; minus strand). Cytogenetic location: 7q22.1.
Variant type: single nucleotide variant.
Coding change: c.411G>A on transcript NM_016068.3 (MANE Select); coding-DNA position 411, G replaced by A.
Protein change: p.Ala137=; no amino-acid change (alanine 137 retained).
Molecular consequence: synonymous variant.
Genome position (GRCh38, 1-based): chr7:101,239,854, C>T on the plus strand (G>A on the coding strand, the complement: FIS1 is on the minus strand). VCF-style: chr7-101239854-C-T. GRCh37 (hg19) VCF-style: chr7-100883135-C-T.
Identifiers: ClinVar variation 2657857 (VCV002657857.24), dbSNP rs183841255, ClinGen allele CA4408941.